The following is an entry in ClinVar:

NM_004360.5(CDH1):c.2124T>G (p.Pro708=)

Gene: CDH1 (cadherin 1; plus strand). Cytogenetic location: 16q22.1.
Variant type: single nucleotide variant.
Coding change: c.2124T>G on transcript NM_004360.5 (MANE Select); coding-DNA position 2124, T replaced by G.
Protein change: p.Pro708=; no amino-acid change (proline 708 retained).
Molecular consequence: synonymous variant.
Genome position (GRCh38, 1-based): chr16:68,823,586, T>G. VCF-style: chr16-68823586-T-G. GRCh37 (hg19) VCF-style: chr16-68857489-T-G.
Other names: c.1941T>G, p.Pro647= (NM_001317184.2); c.576T>G, p.Pro192= (NM_001317185.2); c.159T>G, p.Pro53= (NM_001317186.2).
Identifiers: ClinVar variation 3379223 (VCV003379223.3).

ClinVar aggregate classification (germline): Benign/Likely benign. Review status: criteria provided, multiple submitters, no conflicts (2 of 4 stars). 2 submissions from 2 submitters: Benign (1); Likely benign (1). Last evaluated 2024-09-20.

Conditions:
Hereditary diffuse gastric adenocarcinoma (HDGC). Also called: DIFFUSE GASTRIC AND LOBULAR BREAST CANCER SYNDROME. Identifiers: Orphanet 26106, MedGen C1708349, MONDO:0007648, OMIM 137215.

Submissions (2):

Myriad Genetics, Inc.
Classification: Benign for Hereditary diffuse gastric adenocarcinoma. Last evaluated: 2024-09-20. Review status: criteria provided, single submitter. Criteria: Myriad Autosomal Dominant, Autosomal Recessive and X-Linked Classification Criteria (2023). Collection method: clinical testing. Allele origin: unknown.
Comment: This variant is considered benign. This variant is a silent/synonymous amino acid change and it is not expected to impact splicing.

Labcorp Genetics (formerly Invitae), Labcorp
Classification: Likely benign for Hereditary diffuse gastric adenocarcinoma. Last evaluated: 2024-05-11. Review status: criteria provided, single submitter. Criteria: Invitae Variant Classification Sherloc (09022015). Collection method: clinical testing. Allele origin: germline.